The following is an entry in ClinVar:

ClinVar aggregate classification (germline): Uncertain significance. Review status: criteria provided, multiple submitters, no conflicts (2 of 4 stars). 2 submissions from 2 submitters: Uncertain significance (2). Last evaluated 2025-07-30.

Submissions (2):

Labcorp Genetics (formerly Invitae), Labcorp
Classification: Uncertain significance. Last evaluated: 2025-07-30. Review status: criteria provided, single submitter. Criteria: Invitae Variant Classification Sherloc (09022015). Collection method: clinical testing. Allele origin: germline.
Comment: This sequence change replaces asparagine, which is neutral and polar, with serine, which is neutral and polar, at codon 196 of the ABL1 protein (p.Asn196Ser). This variant is not present in population databases (gnomAD no frequency). This variant has not been reported in the literature in individuals affected with ABL1-related conditions. Invitae Evidence Modeling of protein sequence and biophysical properties (such as structural, functional, and spatial information, amino acid conservation, physicochemical variation, residue mobility, and thermodynamic stability) has been performed for this missense variant. However, the output from this modeling did not meet the statistical confidence thresholds required to predict the impact of this variant on ABL1 protein function. In summary, the available evidence is currently insufficient to determine the role of this variant in disease. Therefore, it has been classified as a Variant of Uncertain Significance.

Blueprint Genetics
Classification: Uncertain significance. Last evaluated: 2022-02-09. Review status: criteria provided, single submitter. Criteria: ACMG Guidelines, 2015. Collection method: clinical testing. Allele origin: germline.

NM_005157.6(ABL1):c.530A>G (p.Asn177Ser)

Gene: ABL1 (ABL proto-oncogene 1, non-receptor tyrosine kinase; plus strand). Cytogenetic location: 9q34.12.
Variant type: single nucleotide variant.
Coding change: c.530A>G on transcript NM_005157.6 (MANE Select); coding-DNA position 530, A replaced by G.
Protein change: p.Asn177Ser; replaces asparagine 177 with serine.
Molecular consequence: missense variant.
Genome position (GRCh38, 1-based): chr9:130,855,077, A>G. VCF-style: chr9-130855077-A-G. GRCh37 (hg19) VCF-style: chr9-133730464-A-G.
Other names: c.587A>G, p.Asn196Ser (NM_007313.3); short protein forms N177S, N196S.
Identifiers: ClinVar variation 4779555 (VCV004779555.2).